The following is an entry in ClinVar:

NM_005634.3(SOX3):c.791T>G (p.Val264Gly)

Gene: SOX3 (SRY-box transcription factor 3; minus strand). Cytogenetic location: Xq27.1.
Variant type: single nucleotide variant.
Coding change: c.791T>G on transcript NM_005634.3 (MANE Select); coding-DNA position 791, T replaced by G.
Protein change: p.Val264Gly; replaces valine 264 with glycine.
Molecular consequence: missense variant.
Genome position (GRCh38, 1-based): chrX:140,504,270, A>C on the plus strand (T>G on the coding strand, the complement: SOX3 is on the minus strand). VCF-style: chrX-140504270-A-C. GRCh37 (hg19) VCF-style: chrX-139586435-A-C.
Other names: short protein forms V264G.
Identifiers: ClinVar variation 1030001 (VCV001030001.1), dbSNP rs1927323032, ClinGen allele CA414477981.

ClinVar aggregate classification (germline): Uncertain significance (1 of 4 stars; one submission).

Conditions:
Intellectual developmental disorder, X-linked, with panhypopituitarism. Also called: Intellectual disability, X-linked, with panhypopituitarism. Identifiers: MedGen C2678223, MONDO:0010252, OMIM 300123.

Submission:

Baylor Genetics
Classification: Uncertain significance for Intellectual developmental disorder, X-linked, with panhypopituitarism. Last evaluated: 2019-12-02. Review status: criteria provided, single submitter. Criteria: ACMG Guidelines, 2015. Collection method: clinical testing. Allele origin: unknown. Affected: yes.
Comment: This variant was determined to be of uncertain significance according to ACMG Guidelines, 2015 [PMID:25741868].